The following is an entry in ClinVar:

NM_000111.3(SLC26A3):c.1483C>T (p.Gln495Ter)

Gene: SLC26A3 (solute carrier family 26 member 3; minus strand). Cytogenetic location: 7q22.3.
Variant type: single nucleotide variant.
Coding change: c.1483C>T on transcript NM_000111.3 (MANE Select); coding-DNA position 1483, C replaced by T.
Protein change: p.Gln495Ter; replaces glutamine 495 with a stop codon.
Molecular consequence: nonsense.
Genome position (GRCh38, 1-based): chr7:107,778,206, G>A on the plus strand (C>T on the coding strand, the complement: SLC26A3 is on the minus strand). VCF-style: chr7-107778206-G-A. GRCh37 (hg19) VCF-style: chr7-107418651-G-A.
Other names: short protein forms Q495*.
Identifiers: ClinVar variation 2845451 (VCV002845451.3), dbSNP rs2535458383, ClinGen allele CA368851139.

ClinVar aggregate classification (germline): Pathogenic (1 of 4 stars; one submission).

Submission:

Labcorp Genetics (formerly Invitae), Labcorp
Classification: Pathogenic. Last evaluated: 2023-11-20. Review status: criteria provided, single submitter. Criteria: Invitae Variant Classification Sherloc (09022015). Collection method: clinical testing. Allele origin: germline.
Comment: This sequence change creates a premature translational stop signal (p.Gln495*) in the SLC26A3 gene. It is expected to result in an absent or disrupted protein product. Loss-of-function variants in SLC26A3 are known to be pathogenic (PMID: 9718329, 21394828). This variant is not present in population databases (gnomAD no frequency). This variant has not been reported in the literature in individuals affected with SLC26A3-related conditions. Algorithms developed to predict the effect of sequence changes on RNA splicing suggest that this variant may disrupt the consensus splice site. For these reasons, this variant has been classified as Pathogenic.

Literature cited by the submitters: PubMed 9718329; PubMed 21394828.